The following is an entry in ClinVar:

ClinVar aggregate classification (germline): Likely benign. Review status: criteria provided, multiple submitters, no conflicts (2 of 4 stars). 3 submissions from 3 submitters: Likely benign (3). Last evaluated 2026-01-27.

Conditions:
Bardet-Biedl syndrome (BBS). Identifiers: Orphanet 110, MedGen C0752166, MONDO:0015229.

Allele frequency attached by ClinVar (database versions not stated): ESP Exome Variant Server 0.00015; TOPMed 0.00015; gnomAD exomes 0.00016; ExAC 0.00017; gnomAD 0.00018 and 0.00019.
gnomAD v4.1: 396 of 1,613,806 alleles (0.025%); highest among the groups gnomAD compares: Non-Finnish European, 0.032%; no homozygotes.

Submissions (3):

Labcorp Genetics (formerly Invitae), Labcorp
Classification: Likely benign for Bardet-Biedl syndrome. Last evaluated: 2026-01-27. Review status: criteria provided, single submitter. Criteria: Invitae Variant Classification Sherloc (09022015). Collection method: clinical testing. Allele origin: germline.

Blueprint Genetics
Classification: Likely benign. Last evaluated: 2024-10-29. Review status: criteria provided, single submitter. Criteria: ACMG Guidelines, 2015. Collection method: clinical testing. Allele origin: germline.

CeGaT Center for Human Genetics Tuebingen
Classification: Likely benign. Last evaluated: 2024-10-01. Review status: criteria provided, single submitter. Criteria: CeGaT Center For Human Genetics Tuebingen Variant Classification Criteria Version 2. Collection method: clinical testing. Allele origin: germline. Affected: yes. Observed: 1 variant allele.
Comment: BBS1: BP4, BP7

NM_024649.5(BBS1):c.360C>T (p.Pro120=)

Gene: BBS1 (Bardet-Biedl syndrome 1; plus strand). Cytogenetic location: 11q13.2.
Variant type: single nucleotide variant.
Coding change: c.360C>T on transcript NM_024649.5 (MANE Select); coding-DNA position 360, C replaced by T.
Protein change: p.Pro120=; no amino-acid change (proline 120 retained).
Molecular consequence: synonymous variant.
Genome position (GRCh38, 1-based): chr11:66,514,606, C>T. VCF-style: chr11-66514606-C-T. GRCh37 (hg19) VCF-style: chr11-66282077-C-T.
Identifiers: ClinVar variation 697109 (VCV000697109.25), dbSNP rs373756451, ClinGen allele CA6123314.